The following is an entry in ClinVar:

ClinVar aggregate classification (germline): Conflicting classifications of pathogenicity. Review status: criteria provided, conflicting classifications (1 of 4 stars). 7 submissions from 7 submitters: Uncertain significance (6); Likely benign (1). Last evaluated 2025-03-01.

Conditions:
Marfan syndrome (MFS). Also called: Marfan syndrome type 1; Marfan's syndrome; FBN1-Related Marfan Syndrome; MARFAN SYNDROME, TYPE I; Marfan syndrome, classic. Identifiers: Orphanet 284963, Orphanet 558, MedGen C0024796, MONDO:0007947, OMIM 154700.
Familial thoracic aortic aneurysm and aortic dissection (TAAD). Also called: Thoracic aortic aneurysms and dissections. Identifiers: Orphanet 91387, MedGen C4707243, MONDO:0019625.
Ectopia lentis 1, isolated, autosomal dominant (ECTOL1). Identifiers: Orphanet 1885, MedGen C3541518, MONDO:0007514, OMIM 129600.
Stiff skin syndrome (SSKS). Identifiers: Orphanet 2833, MedGen C1861456, MONDO:0008492, OMIM 184900.
MASS syndrome (OCTD). Also called: MASS PHENOTYPE; OVERLAP CONNECTIVE TISSUE DISEASE. Identifiers: MedGen C1858556, MONDO:0011431, OMIM 604308.
Acromicric dysplasia (ACMICD). Also called: Acromicric skeletal dysplasia. Identifiers: Orphanet 969, MedGen C0265287, MONDO:0007055, OMIM 102370.
Weill-Marchesani syndrome 2, dominant. Also called: Weill-Marchesani Syndrome, Autosomal Dominant; FBN1-Related Weill-Marchesani Syndrome. Identifiers: Orphanet 2084, MedGen C1869115, MONDO:0012013, OMIM 608328.
Geleophysic dysplasia 2 (GPHYSD2). Identifiers: Orphanet 2623, MedGen C3280054, MONDO:0013612, OMIM 614185.
Progeroid and marfanoid aspect-lipodystrophy syndrome. Also called: MARFANOID-PROGEROID SYNDROME; MARFAN-PROGEROID-LIPODYSTROPHY SYNDROME; Marfan lipodystrophy syndrome; MARFANOID-PROGEROID-LIPODYSTROPHY SYNDROME. Identifiers: Orphanet 300382, MedGen C4310796, MONDO:0014831, OMIM 616914.

Allele frequency attached by ClinVar (database versions not stated): gnomAD exomes below 0.00001.
gnomAD v4.1: 7 of 1,614,110 alleles (0.00043%); highest among the groups gnomAD compares: Middle Eastern, 0.033%; no homozygotes.

Submissions (7):

CeGaT Center for Human Genetics Tuebingen
Classification: Uncertain significance. Last evaluated: 2025-03-01. Review status: criteria provided, single submitter. Criteria: CeGaT Center For Human Genetics Tuebingen Variant Classification Criteria Version 2. Collection method: clinical testing. Allele origin: germline. Affected: yes. Observed: 1 variant allele.

Labcorp Genetics (formerly Invitae), Labcorp
Classification: Uncertain significance for Marfan syndrome; Familial thoracic aortic aneurysm and aortic dissection. Last evaluated: 2024-07-08. Review status: criteria provided, single submitter. Criteria: Invitae Variant Classification Sherloc (09022015). Collection method: clinical testing. Allele origin: germline.
Comment: This sequence change replaces threonine, which is neutral and polar, with isoleucine, which is neutral and non-polar, at codon 1396 of the FBN1 protein (p.Thr1396Ile). This variant is not present in population databases (gnomAD no frequency). This missense change has been observed in individual(s) with clinical features of Marfan syndrome and/or Marfan syndrome (PMID: 33243733, 33483584). In at least one individual the variant was observed to be de novo. ClinVar contains an entry for this variant (Variation ID: 927669). Advanced modeling of protein sequence and biophysical properties (such as structural, functional, and spatial information, amino acid conservation, physicochemical variation, residue mobility, and thermodynamic stability) performed at Invitae indicates that this missense variant is not expected to disrupt FBN1 protein function with a negative predictive value of 95%. In summary, the available evidence is currently insufficient to determine the role of this variant in disease. Therefore, it has been classified as a Variant of Uncertain Significance.

All of Us Research Program, National Institutes of Health
Classification: Uncertain significance for Marfan syndrome. Last evaluated: 2024-03-05. Review status: criteria provided, single submitter. Criteria: ACMG Guidelines, 2015. Collection method: clinical testing. Allele origin: germline. Inheritance: Autosomal dominant inheritance. Observed: 3 variant alleles, 3 heterozygotes.
Comment: Variant of Uncertain Significance due to insufficient evidence: This missense variant replaces threonine with isoleucine at codon 1396 of the FBN1 protein. Computational prediction tools and conservation analyses are inconclusive regarding the impact of this variant on the protein function. Computational splicing tools suggest that this variant may not impact RNA splicing. To our knowledge, functional assays have not been performed for this variant nor has this variant been reported in individuals affected with cardiovascular disorders in the literature. This variant is rare in the general population and has been identified in 0/277264 chromosomes by the Genome Aggregation Database (gnomAD). Available evidence is insufficient to determine the role of this variant in disease conclusively.

This study involves interpretation of variants in research participants for the purpose of population health screening. Participant phenotype was not available at the time of variant classification. Additional details can be found in publication PMID: 35346344, PMCID: PMC8962531

Color Diagnostics, LLC DBA Color Health
Classification: Uncertain significance for Familial thoracic aortic aneurysm and aortic dissection. Last evaluated: 2024-02-09. Review status: criteria provided, single submitter. Criteria: ACMG Guidelines, 2015. Collection method: clinical testing. Allele origin: germline.
Comment: This missense variant replaces threonine with isoleucine at codon 1396 of the FBN1 protein. Computational prediction tools indicate that this variant has a neutral impact on protein structure and function. To our knowledge, functional studies have not been reported for this variant. This variant has been reported in one individual suspected to be affected with Marfan syndrome (PMID: 33483584) and in one individual affected with aortic dissection (PMID: 33243733). This variant has not been identified in the general population by the Genome Aggregation Database (gnomAD). The available evidence is insufficient to determine the role of this variant in disease conclusively. Therefore, this variant is classified as a Variant of Uncertain Significance.

Blueprint Genetics
Classification: Likely benign. Last evaluated: 2023-07-25. Review status: criteria provided, single submitter. Criteria: ACMG Guidelines, 2015. Collection method: clinical testing. Allele origin: germline.

Fulgent Genetics
Classification: Uncertain significance for Acromicric dysplasia; Ectopia lentis 1, isolated, autosomal dominant; Marfan syndrome; Stiff skin syndrome; MASS syndrome; Weill-Marchesani syndrome 2, dominant; Geleophysic dysplasia 2; Progeroid and marfanoid aspect-lipodystrophy syndrome. Last evaluated: 2022-01-14. Review status: criteria provided, single submitter. Criteria: ACMG Guidelines, 2015. Collection method: clinical testing. Allele origin: unknown.

CHEO Genetics Diagnostic Laboratory, Children's Hospital of Eastern Ontario
Classification: Uncertain significance for Familial thoracic aortic aneurysm and aortic dissection. Last evaluated: 2019-06-26. Review status: criteria provided, single submitter. Criteria: ACMG Guidelines, 2015. Collection method: clinical testing. Allele origin: germline.

Literature cited by the submitters: PubMed 33243733 (cited by Labcorp Genetics (formerly Invitae), Labcorp and Color Diagnostics, LLC DBA Color Health); PubMed 33483584 (cited by Labcorp Genetics (formerly Invitae), Labcorp and Color Diagnostics, LLC DBA Color Health).

NM_000138.5(FBN1):c.4187C>T (p.Thr1396Ile)

Gene: FBN1 (fibrillin 1; minus strand). Cytogenetic location: 15q21.1.
Variant type: single nucleotide variant.
Coding change: c.4187C>T on transcript NM_000138.5 (MANE Select); coding-DNA position 4187, C replaced by T.
Protein change: p.Thr1396Ile; replaces threonine 1396 with isoleucine.
Molecular consequence: missense variant.
Genome position (GRCh38, 1-based): chr15:48,474,278, G>A on the plus strand (C>T on the coding strand, the complement: FBN1 is on the minus strand). VCF-style: chr15-48474278-G-A. GRCh37 (hg19) VCF-style: chr15-48766475-G-A.
Other names: short protein forms T1396I.
Identifiers: ClinVar variation 927669 (VCV000927669.24), dbSNP rs2043401571, ClinGen allele CA392320005.
Genomic context (GRCh38, chr15:48,474,278, plus strand): 5'-ACTAGTGTTGACACAGTTGTTTCCAGCGTGAACATACCTGTACAAGTGAAGCCATCACCT[G>A]TGTATCCTTCCTTGCACAGACAGCGGTAAGATCCCATGGTATTCTTGCAGTCTGCATGCT-3'
Protein context (NP_000129.3, residues 1386-1406): SYRCLCKEGY[Thr1396Ile]GDGFTCTDLD